The following is an entry in ClinVar:

ClinVar aggregate classification (germline): Uncertain significance (1 of 4 stars; one submission).

Conditions:
Cardiovascular phenotype. Identifiers: MedGen CN230736.

Submission:

Ambry Genetics
Classification: Uncertain significance for Cardiovascular phenotype. Last evaluated: 2026-07-27. Review status: criteria provided, single submitter. Criteria: Ambry Variant Classification Scheme 2023. Collection method: clinical testing. Allele origin: germline.
Comment: The p.L212H variant (also known as c.635T>A), located in coding exon 5 of the PTPN11 gene, results from a T to A substitution at nucleotide position 635. The leucine at codon 212 is replaced by histidine, an amino acid with similar properties. This amino acid position is conserved. In addition, this alteration is predicted to be deleterious by in silico analysis. Based on the available evidence, the clinical significance of this variant remains unclear.

NM_002834.5(PTPN11):c.635T>A (p.Leu212His)

Gene: PTPN11 (protein tyrosine phosphatase non-receptor type 11; plus strand). Cytogenetic location: 12q24.13.
Variant type: single nucleotide variant.
Coding change: c.635T>A on transcript NM_002834.5 (MANE Select); coding-DNA position 635, T replaced by A.
Protein change: p.Leu212His; replaces leucine 212 with histidine.
Molecular consequence: missense variant.
Genome position (GRCh38, 1-based): chr12:112,454,673, T>A. VCF-style: chr12-112454673-T-A. GRCh37 (hg19) VCF-style: chr12-112892477-T-A.
Other names: c.635T>A, p.Leu212His (NM_001330437.2, NM_080601.3); c.632T>A, p.Leu211His (NM_001374625.1); short protein forms L212H, L211H.
Identifiers: ClinVar variation 5027628 (VCV005027628.1).